The following is an entry in ClinVar:

NM_173076.3(ABCA12):c.6975C>T (p.His2325=)

Genes: ABCA12 (ATP binding cassette subfamily A member 12; minus strand), SNHG31 (small nucleolar RNA host gene 31; plus strand). Cytogenetic location: 2q35.
Variant type: single nucleotide variant.
Coding change: c.6975C>T on transcript NM_173076.3 (MANE Select); coding-DNA position 6975, C replaced by T.
Protein change: p.His2325=; no amino-acid change (histidine 2325 retained).
Molecular consequence: synonymous variant. On other transcripts: non-coding transcript variant (1).
Genome position (GRCh38, 1-based): chr2:214,948,725, G>A on the plus strand (C>T on the coding strand, the complement: ABCA12 is on the minus strand). VCF-style: chr2-214948725-G-A. GRCh37 (hg19) VCF-style: chr2-215813449-G-A.
Other names: c.6021C>T, p.His2007= (NM_015657.4); c.6975C>T (NM_173076.2).
Identifiers: ClinVar variation 2417656 (VCV002417656.8), dbSNP rs561972447, ClinGen allele CA2090768.

ClinVar aggregate classification (germline): Benign/Likely benign. Review status: criteria provided, multiple submitters, no conflicts (2 of 4 stars). 2 submissions from 2 submitters: Benign (1); Likely benign (1). Last evaluated 2025-12-18.

Conditions:
ABCA12-related disorder. Also called: ABCA12-related condition.

Allele frequency attached by ClinVar (database versions not stated): TOPMed 0.00002; gnomAD 0.00005; gnomAD exomes 0.00005; ExAC 0.00008; 1000 Genomes Project 0.00020; 1000 Genomes Project 30x 0.00031.
gnomAD v4.1: 76 of 1,613,984 alleles (0.0047%); highest among the groups gnomAD compares: South Asian, 0.064%; 1 homozygote.

Submissions (2):

Labcorp Genetics (formerly Invitae), Labcorp
Classification: Benign. Last evaluated: 2025-12-18. Review status: criteria provided, single submitter. Criteria: Invitae Variant Classification Sherloc (09022015). Collection method: clinical testing. Allele origin: germline.

PreventionGenetics, part of Exact Sciences
Classification: Likely benign for ABCA12-related condition. Last evaluated: 2025-03-25. Review status: criteria provided, single submitter. Criteria: ACMG Guidelines, 2015. Collection method: clinical testing. Allele origin: germline.
Comment: This variant is classified as likely benign based on ACMG/AMP sequence variant interpretation guidelines (Richards et al. 2015 PMID: 25741868, with internal and published modifications).